The following is an entry in ClinVar:

ClinVar aggregate classification (germline): Uncertain significance (1 of 4 stars; one submission).

Conditions:
Neurofibromatosis, type 1 (NF1). Also called: VON RECKLINGHAUSEN DISEASE; Neurofibromatosis, type I; NEUROFIBROMATOSIS, TYPE I, SOMATIC; Peripheral type neurofibromatosis. Identifiers: Orphanet 636, MedGen C0027831, MONDO:0018975, OMIM 162200. Disease mechanism: loss of function.

Submission:

Labcorp Genetics (formerly Invitae), Labcorp
Classification: Uncertain significance for Neurofibromatosis, type 1. Last evaluated: 2022-08-28. Review status: criteria provided, single submitter. Criteria: Invitae Variant Classification Sherloc (09022015). Collection method: clinical testing. Allele origin: germline.
Comment: In summary, the available evidence is currently insufficient to determine the role of this variant in disease. Therefore, it has been classified as a Variant of Uncertain Significance. Advanced modeling of protein sequence and biophysical properties (such as structural, functional, and spatial information, amino acid conservation, physicochemical variation, residue mobility, and thermodynamic stability) performed at Invitae indicates that this missense variant is expected to disrupt NF1 protein function. This variant has not been reported in the literature in individuals affected with NF1-related conditions. This variant is not present in population databases (gnomAD no frequency). This sequence change replaces lysine, which is basic and polar, with arginine, which is basic and polar, at codon 918 of the NF1 protein (p.Lys918Arg).

NM_001042492.3(NF1):c.2753A>G (p.Lys918Arg)

Gene: NF1 (neurofibromin 1; plus strand). Cytogenetic location: 17q11.2.
Variant type: single nucleotide variant.
Coding change: c.2753A>G on transcript NM_001042492.3 (MANE Select); coding-DNA position 2753, A replaced by G.
Protein change: p.Lys918Arg; replaces lysine 918 with arginine.
Molecular consequence: missense variant.
Genome position (GRCh38, 1-based): chr17:31,229,368, A>G. VCF-style: chr17-31229368-A-G. GRCh37 (hg19) VCF-style: chr17-29556386-A-G.
Other names: c.2753A>G, p.Lys918Arg (NM_000267.4); short protein forms K918R.
Identifiers: ClinVar variation 2195357 (VCV002195357.4), dbSNP rs2151429584, ClinGen allele CA398985378.